The following is an entry in ClinVar:

NM_000081.4(LYST):c.2437C>T (p.Arg813Ter)

Gene: LYST (lysosomal trafficking regulator; minus strand). Cytogenetic location: 1q42.3.
Variant type: single nucleotide variant.
Coding change: c.2437C>T on transcript NM_000081.4 (MANE Select); coding-DNA position 2437, C replaced by T.
Protein change: p.Arg813Ter; replaces arginine 813 with a stop codon.
Molecular consequence: nonsense.
Genome position (GRCh38, 1-based): chr1:235,806,699, G>A on the plus strand (C>T on the coding strand, the complement: LYST is on the minus strand). VCF-style: chr1-235806699-G-A. GRCh37 (hg19) VCF-style: chr1-235969999-G-A.
Other names: c.2437C>T, p.Arg813Ter (NM_001301365.1); short protein forms R813*.
Identifiers: ClinVar variation 2089080 (VCV002089080.4), dbSNP rs2527086071, ClinGen allele CA344957241.

ClinVar aggregate classification (germline): Pathogenic (1 of 4 stars; one submission).

Conditions:
Chédiak-Higashi syndrome (CHS). Also called: Chediak-Higashi Syndrome. Identifiers: Orphanet 167, MedGen C0007965, MONDO:0008963, OMIM 214500.

Allele frequency attached by ClinVar (database versions not stated): gnomAD exomes below 0.00001.
gnomAD v4.1: 2 of 1,612,864 alleles (0.00012%); highest among the groups gnomAD compares: Non-Finnish European, 0.00017%; no homozygotes.

Submission:

Labcorp Genetics (formerly Invitae), Labcorp
Classification: Pathogenic for Chédiak-Higashi syndrome. Last evaluated: 2023-02-24. Review status: criteria provided, single submitter. Criteria: Invitae Variant Classification Sherloc (09022015). Collection method: clinical testing. Allele origin: germline.
Comment: This variant has not been reported in the literature in individuals affected with LYST-related conditions. For these reasons, this variant has been classified as Pathogenic. This variant is not present in population databases (gnomAD no frequency). This sequence change creates a premature translational stop signal (p.Arg813*) in the LYST gene. It is expected to result in an absent or disrupted protein product. Loss-of-function variants in LYST are known to be pathogenic (PMID: 9215679, 11857544).

Literature cited by the submitters: PubMed 9215679; PubMed 11857544.